The following is an entry in ClinVar:

ClinVar aggregate classification (germline): Uncertain significance (1 of 4 stars; one submission).

Submission:

Labcorp Genetics (formerly Invitae), Labcorp
Classification: Uncertain significance. Last evaluated: 2023-08-17. Review status: criteria provided, single submitter. Criteria: Invitae Variant Classification Sherloc (09022015). Collection method: clinical testing. Allele origin: germline.
Comment: In summary, the available evidence is currently insufficient to determine the role of this variant in disease. Therefore, it has been classified as a Variant of Uncertain Significance. Advanced modeling of protein sequence and biophysical properties (such as structural, functional, and spatial information, amino acid conservation, physicochemical variation, residue mobility, and thermodynamic stability) performed at Invitae indicates that this missense variant is not expected to disrupt STAG2 protein function. ClinVar contains an entry for this variant (Variation ID: 2007678). This variant has not been reported in the literature in individuals affected with STAG2-related conditions. This variant is not present in population databases (gnomAD no frequency). This sequence change replaces serine, which is neutral and polar, with threonine, which is neutral and polar, at codon 579 of the STAG2 protein (p.Ser579Thr).

NM_001042750.2(STAG2):c.1735T>A (p.Ser579Thr)

Gene: STAG2 (STAG2 cohesin complex component; plus strand). Cytogenetic location: Xq25.
Variant type: single nucleotide variant.
Coding change: c.1735T>A on transcript NM_001042750.2 (MANE Select); coding-DNA position 1735, T replaced by A.
Protein change: p.Ser579Thr; replaces serine 579 with threonine.
Molecular consequence: missense variant.
Genome position (GRCh38, 1-based): chrX:124,063,119, T>A. VCF-style: chrX-124063119-T-A. GRCh37 (hg19) VCF-style: chrX-123196969-T-A.
Other names: c.1735T>A, p.Ser579Thr (NM_001042749.2, NM_001042751.2, NM_001282418.2 and 13 more transcripts); short protein forms S579T.
Identifiers: ClinVar variation 2007678 (VCV002007678.4), dbSNP rs2521804003, ClinGen allele CA414271992.